The following is an entry in ClinVar:

ClinVar aggregate classification (germline): Uncertain significance (1 of 4 stars; one submission).

Submission:

GeneDx
Classification: Uncertain significance. Last evaluated: 2022-02-04. Review status: criteria provided, single submitter. Criteria: GeneDx Variant Classification Process June 2021. Collection method: clinical testing. Allele origin: germline. Affected: yes.
Comment: Not observed at significant frequency in large population cohorts (gnomAD); Initiation codon variant in a gene for which loss-of-function is not a known mechanism of disease; Has not been previously published as pathogenic or benign to our knowledge

NM_002516.4(NOVA2):c.1A>G (p.Met1Val)

Gene: NOVA2 (NOVA alternative splicing regulator 2; minus strand). Cytogenetic location: 19q13.32.
Variant type: single nucleotide variant.
Coding change: c.1A>G on transcript NM_002516.4 (MANE Select); coding-DNA position 1, A replaced by G.
Protein change: p.Met1Val; changes the start codon (methionine 1).
Molecular consequence: missense variant, initiator codon variant.
Genome position (GRCh38, 1-based): chr19:45,973,351, T>C on the plus strand (A>G on the coding strand, the complement: NOVA2 is on the minus strand). VCF-style: chr19-45973351-T-C. GRCh37 (hg19) VCF-style: chr19-46476609-T-C.
Other names: short protein forms M1V.
Identifiers: ClinVar variation 1700488 (VCV001700488.3), dbSNP rs1968259270, ClinGen allele CA406447594.
Genomic context (GRCh38, chr19:45,973,351, plus strand): 5'-AGACCACCTCGGGGGGCGTTTCGAGGGGCCTCTTGCGGGAATCCGGGGCCTCGGGCTCCA[T>C]GGGGGGGGCCTGGGGCGGCGGCTGCTGCTGCTGCGGCGGCTGCGGCGGCGGCGGCGGCGG-3'
Protein context (NP_002507.1, residues 1-11): [Met1Val]EPEAPDSRKR